The following is an entry in ClinVar:

ClinVar aggregate classification (germline): Uncertain significance. Review status: criteria provided, multiple submitters, no conflicts (2 of 4 stars). 2 submissions from 2 submitters: Uncertain significance (2). Last evaluated 2024-10-23.

Conditions:
Osteogenesis imperfecta type I (OI1). Also called: Classic Non-deforming Osteogenesis Imperfecta with Blue Sclerae; Lobstein's Disease; Lobstein disease; OI, TYPE I; OSTEOGENESIS IMPERFECTA TARDA; OSTEOGENESIS IMPERFECTA WITH BLUE SCLERAE. Identifiers: Orphanet 216796, Orphanet 666, MedGen C0023931, MONDO:0008146, OMIM 166200. Disease mechanism: loss of function.

Submissions (2):

GeneDx
Classification: Uncertain significance. Last evaluated: 2024-10-23. Review status: criteria provided, single submitter. Criteria: GeneDx Variant Classification Process June 2021. Collection method: clinical testing. Allele origin: germline. Affected: yes.
Comment: Has not been previously published as pathogenic or benign to our knowledge; Not observed at significant frequency in large population cohorts (gnomAD); Occurs in the triple helical domain at the Y position in the canonical Gly-X-Y repeat; although this variant may have an effect on normal protein folding and function, missense substitution at the Y position is not a common mechanism of disease (HGMD); In silico analysis supports that this missense variant has a deleterious effect on protein structure/function

Labcorp Genetics (formerly Invitae), Labcorp
Classification: Uncertain significance for Osteogenesis imperfecta type I. Last evaluated: 2024-06-13. Review status: criteria provided, single submitter. Criteria: Invitae Variant Classification Sherloc (09022015). Collection method: clinical testing. Allele origin: germline.
Comment: This sequence change replaces lysine, which is basic and polar, with glutamic acid, which is acidic and polar, at codon 352 of the COL1A1 protein (p.Lys352Glu). This variant is not present in population databases (gnomAD no frequency). This variant has not been reported in the literature in individuals affected with COL1A1-related conditions. Experimental studies and prediction algorithms are not available or were not evaluated, and the functional significance of this variant is currently unknown. In summary, the available evidence is currently insufficient to determine the role of this variant in disease. Therefore, it has been classified as a Variant of Uncertain Significance.

NM_000088.4(COL1A1):c.1054A>G (p.Lys352Glu)

Gene: COL1A1 (collagen type I alpha 1 chain; minus strand). Cytogenetic location: 17q21.33.
Variant type: single nucleotide variant.
Coding change: c.1054A>G on transcript NM_000088.4 (MANE Select); coding-DNA position 1054, A replaced by G.
Protein change: p.Lys352Glu; replaces lysine 352 with glutamic acid.
Molecular consequence: missense variant.
Genome position (GRCh38, 1-based): chr17:50,195,925, T>C on the plus strand (A>G on the coding strand, the complement: COL1A1 is on the minus strand). VCF-style: chr17-50195925-T-C. GRCh37 (hg19) VCF-style: chr17-48273286-T-C.
Other names: short protein forms K352E.
Identifiers: ClinVar variation 3627252 (VCV003627252.3).